The following is an entry in ClinVar:

NM_001369.3(DNAH5):c.7436A>C (p.His2479Pro)

Gene: DNAH5 (dynein axonemal heavy chain 5; minus strand). Cytogenetic location: 5p15.2.
Variant type: single nucleotide variant.
Coding change: c.7436A>C on transcript NM_001369.3 (MANE Select); coding-DNA position 7436, A replaced by C.
Protein change: p.His2479Pro; replaces histidine 2479 with proline.
Molecular consequence: missense variant.
Genome position (GRCh38, 1-based): chr5:13,810,232, T>G on the plus strand (A>C on the coding strand, the complement: DNAH5 is on the minus strand). VCF-style: chr5-13810232-T-G. GRCh37 (hg19) VCF-style: chr5-13810341-T-G.
Other names: short protein forms H2479P.
Identifiers: ClinVar variation 4694244 (VCV004694244.1).

ClinVar aggregate classification (germline): Uncertain significance (1 of 4 stars; one submission).

Conditions:
Primary ciliary dyskinesia. Also called: Ciliary dyskinesia. Identifiers: Orphanet 244, MedGen C0008780, MONDO:0016575, HP:0012265.

Submission:

Labcorp Genetics (formerly Invitae), Labcorp
Classification: Uncertain significance for Primary ciliary dyskinesia. Last evaluated: 2025-10-14. Review status: criteria provided, single submitter. Criteria: Invitae Variant Classification Sherloc (09022015). Collection method: clinical testing. Allele origin: germline.
Comment: This sequence change replaces histidine, which is basic and polar, with proline, which is neutral and non-polar, at codon 2479 of the DNAH5 protein (p.His2479Pro). This variant is not present in population databases (gnomAD no frequency). This variant has not been reported in the literature in individuals affected with DNAH5-related conditions. Invitae Evidence Modeling of protein sequence and biophysical properties (such as structural, functional, and spatial information, amino acid conservation, physicochemical variation, residue mobility, and thermodynamic stability) indicates that this missense variant is not expected to disrupt DNAH5 protein function with a negative predictive value of 95%. In summary, the available evidence is currently insufficient to determine the role of this variant in disease. Therefore, it has been classified as a Variant of Uncertain Significance.